The following is an entry in ClinVar:

NM_025074.7(FRAS1):c.310-1G>A

Gene: FRAS1 (Fraser extracellular matrix complex subunit 1; plus strand). Cytogenetic location: 4q21.21.
Variant type: single nucleotide variant.
Coding change: c.310-1G>A on transcript NM_025074.7 (MANE Select); the canonical splice acceptor site of the intron before coding-DNA position 310, G replaced by A.
Molecular consequence: splice acceptor variant.
Genome position (GRCh38, 1-based): chr4:78,252,391, G>A. VCF-style: chr4-78252391-G-A. GRCh37 (hg19) VCF-style: chr4-79173545-G-A.
Other names: c.310-1G>A (NM_001166133.2).
Identifiers: ClinVar variation 2894742 (VCV002894742.5), dbSNP rs1353055740, ClinGen allele CA357351961.

ClinVar aggregate classification (germline): Likely pathogenic. Review status: criteria provided, multiple submitters, no conflicts (2 of 4 stars). 2 submissions from 2 submitters: Likely pathogenic (2). Last evaluated 2024-03-02.

Conditions:
Fraser syndrome 1 (FRASRS1). Also called: CRYPTOPHTHALMOS WITH OTHER MALFORMATIONS. Identifiers: Orphanet 2052, MedGen C4551480, MONDO:0054737, OMIM 219000.

Allele frequency attached by ClinVar (database versions not stated): gnomAD exomes below 0.00001; TOPMed 0.00002.
gnomAD v4.1: 6 of 1,612,330 alleles (0.00037%); highest among the groups gnomAD compares: African/African-American, 0.004%; no homozygotes.

Submissions (2):

Fulgent Genetics
Classification: Likely pathogenic for Fraser syndrome 1. Last evaluated: 2024-03-02. Review status: criteria provided, single submitter. Criteria: ACMG Guidelines, 2015. Collection method: clinical testing. Allele origin: germline.

Labcorp Genetics (formerly Invitae), Labcorp
Classification: Likely pathogenic. Last evaluated: 2023-12-17. Review status: criteria provided, single submitter. Criteria: Invitae Variant Classification Sherloc (09022015). Collection method: clinical testing. Allele origin: germline.
Comment: This sequence change affects an acceptor splice site in intron 4 of the FRAS1 gene. It is expected to disrupt RNA splicing. Variants that disrupt the donor or acceptor splice site typically lead to a loss of protein function (PMID: 16199547), and loss-of-function variants in FRAS1 are known to be pathogenic (PMID: 12766769, 18671281). The frequency data for this variant in the population databases is considered unreliable, as metrics indicate poor data quality at this position in the gnomAD database. This variant has not been reported in the literature in individuals affected with FRAS1-related conditions. Algorithms developed to predict the effect of sequence changes on RNA splicing suggest that this variant may disrupt the consensus splice site. In summary, the currently available evidence indicates that the variant is pathogenic, but additional data are needed to prove that conclusively. Therefore, this variant has been classified as Likely Pathogenic.

Literature cited by the submitters: PubMed 16199547 (cited by Labcorp Genetics (formerly Invitae), Labcorp); PubMed 12766769 (cited by Labcorp Genetics (formerly Invitae), Labcorp); PubMed 18671281 (cited by Labcorp Genetics (formerly Invitae), Labcorp).